The following is an entry in ClinVar:

NM_000165.5(GJA1):c.886T>C (p.Ser296Pro)

Gene: GJA1 (gap junction protein alpha 1; plus strand). Cytogenetic location: 6q22.31.
Variant type: single nucleotide variant.
Coding change: c.886T>C on transcript NM_000165.5 (MANE Select); coding-DNA position 886, T replaced by C.
Protein change: p.Ser296Pro; replaces serine 296 with proline.
Molecular consequence: missense variant.
Genome position (GRCh38, 1-based): chr6:121,447,733, T>C. VCF-style: chr6-121447733-T-C. GRCh37 (hg19) VCF-style: chr6-121768879-T-C.
Other names: short protein forms S296P.
Identifiers: ClinVar variation 904196 (VCV000904196.6), dbSNP rs1773914179, ClinGen allele CA365559989.
Genomic context (GRCh38, chr6:121,447,733, plus strand): 5'-GCTCCCCTCTCGCCTATGTCTCCTCCTGGGTACAAGCTGGTTACTGGCGACAGAAACAAT[T>C]CTTCTTGCCGCAATTACAACAAGCAAGCAAGTGAGCAAAACTGGGCTAATTACAGTGCAG-3'
Protein context (NP_000156.1, residues 286-306): YKLVTGDRNN[Ser296Pro]SCRNYNKQAS

ClinVar aggregate classification (germline): Uncertain significance. Review status: criteria provided, multiple submitters, no conflicts (2 of 4 stars). 4 submissions from 2 submitters: Uncertain significance (4). Last evaluated 2024-05-01.

Conditions:
Oculodentodigital dysplasia, autosomal recessive. Also called: OCULODENTOOSSEOUS DYSPLASIA, AUTOSOMAL RECESSIVE; ODDD, AUTOSOMAL RECESSIVE; ODOD, AUTOSOMAL RECESSIVE. Identifiers: Orphanet 2710, MedGen C2749477, MONDO:0009768, OMIM 257850.
Syndactyly type 3 (SDTY3). Also called: RING AND LITTLE FINGER SYNDACTYLY; SYNDACTYLY OF FINGERS IV AND V. Identifiers: Orphanet 93404, MedGen C1861366, MONDO:0008514, OMIM 186100.
Hypoplastic left heart syndrome 1 (HLHS1). Identifiers: Orphanet 2248, MedGen C4551854, MONDO:0009433, OMIM 241550.
Oculodentodigital dysplasia (ODDD). Also called: ODD SYNDROME; Oculodentodigital syndrome. Identifiers: Orphanet 2710, MedGen C0812437, MONDO:0008111, OMIM 164200.

Submissions (4):

Labcorp Genetics (formerly Invitae), Labcorp
Classification: Uncertain significance for Oculodentodigital dysplasia, autosomal recessive. Last evaluated: 2024-05-01. Review status: criteria provided, single submitter. Criteria: Invitae Variant Classification Sherloc (09022015). Collection method: clinical testing. Allele origin: germline.
Comment: This sequence change replaces serine, which is neutral and polar, with proline, which is neutral and non-polar, at codon 296 of the GJA1 protein (p.Ser296Pro). This variant is not present in population databases (gnomAD no frequency). This variant has not been reported in the literature in individuals affected with GJA1-related conditions. ClinVar contains an entry for this variant (Variation ID: 904196). Advanced modeling of protein sequence and biophysical properties (such as structural, functional, and spatial information, amino acid conservation, physicochemical variation, residue mobility, and thermodynamic stability) performed at Invitae indicates that this missense variant is not expected to disrupt GJA1 protein function with a negative predictive value of 80%. In summary, the available evidence is currently insufficient to determine the role of this variant in disease. Therefore, it has been classified as a Variant of Uncertain Significance.

Illumina Laboratory Services, Illumina
Classification: Uncertain significance for Syndactyly type 3. Last evaluated: 2017-04-28. Review status: criteria provided, single submitter. Criteria: ICSL Variant Classification Criteria 13 December 2019. Collection method: clinical testing. Allele origin: germline.

Illumina Laboratory Services, Illumina
Classification: Uncertain significance for Hypoplastic left heart syndrome 1. Last evaluated: 2017-04-28. Review status: criteria provided, single submitter. Criteria: ICSL Variant Classification Criteria 13 December 2019. Collection method: clinical testing. Allele origin: germline.

Illumina Laboratory Services, Illumina
Classification: Uncertain significance for Oculodentodigital dysplasia. Last evaluated: 2017-04-28. Review status: criteria provided, single submitter. Criteria: ICSL Variant Classification Criteria 13 December 2019. Collection method: clinical testing. Allele origin: germline.